The following is an entry in ClinVar:

ClinVar aggregate classification (germline): Uncertain significance. Review status: criteria provided, multiple submitters, no conflicts (2 of 4 stars). 8 submissions from 7 submitters: Uncertain significance (7). 1 of the submissions does not count toward it. Last evaluated 2026-03-17.

Conditions:
Usher syndrome type 2A. Also called: RETINAL DISEASE IN USHER SYNDROME TYPE IIA, MODIFIER OF; USHER SYNDROME, TYPE IIA. Identifiers: Orphanet 231178, Orphanet 886, MedGen C1848634, MONDO:0010169, OMIM 276901.
Retinitis pigmentosa 39 (RP39). Identifiers: Orphanet 791, MedGen C3151138, MONDO:0013436, OMIM 613809.

Allele frequency attached by ClinVar (database versions not stated): gnomAD 0.00001; gnomAD exomes 0.00001; ExAC 0.00002; TOPMed 0.00002.
gnomAD v4.1: 31 of 1,613,764 alleles (0.0019%); highest among the groups gnomAD compares: African/African-American, 0.004%; no homozygotes.

Submissions (8):

GeneDx
Classification: Uncertain significance. Last evaluated: 2026-03-17. Review status: criteria provided, single submitter. Criteria: GeneDx Variant Classification Process June 2021. Collection method: clinical testing. Allele origin: germline.
Comment: Not observed at significant frequency in large population cohorts (gnomAD); In silico analysis suggests that this missense variant does not alter protein structure/function; Has not been previously published as pathogenic or benign to our knowledge

Blueprint Genetics
Classification: Uncertain significance. Last evaluated: 2023-12-19. Review status: criteria provided, single submitter. Criteria: ACMG Guidelines, 2015. Collection method: clinical testing. Allele origin: germline.

Genome-Nilou Lab
Classification: Uncertain significance for Retinitis pigmentosa 39. Last evaluated: 2023-11-04. Review status: criteria provided, single submitter. Criteria: ACMG Guidelines, 2015. Collection method: clinical testing. Allele origin: germline. Affected: no.

Genome-Nilou Lab
Classification: Uncertain significance for Usher syndrome type 2A. Last evaluated: 2023-11-04. Review status: criteria provided, single submitter. Criteria: ACMG Guidelines, 2015. Collection method: clinical testing. Allele origin: germline. Affected: no.

Labcorp Genetics (formerly Invitae), Labcorp
Classification: Uncertain significance. Last evaluated: 2022-08-09. Review status: criteria provided, single submitter. Criteria: Invitae Variant Classification Sherloc (09022015). Collection method: clinical testing. Allele origin: germline.
Comment: This sequence change replaces valine, which is neutral and non-polar, with methionine, which is neutral and non-polar, at codon 2347 of the USH2A protein (p.Val2347Met). This variant is present in population databases (rs727503721, gnomAD 0.002%). This variant has not been reported in the literature in individuals affected with USH2A-related conditions. ClinVar contains an entry for this variant (Variation ID: 166475). Algorithms developed to predict the effect of missense changes on protein structure and function are either unavailable or do not agree on the potential impact of this missense change (SIFT: "Deleterious"; PolyPhen-2: "Benign"; Align-GVGD: "Class C0"). In summary, the available evidence is currently insufficient to determine the role of this variant in disease. Therefore, it has been classified as a Variant of Uncertain Significance.

Eurofins Ntd Llc (ga)
Classification: Uncertain significance. Last evaluated: 2016-12-02. Review status: criteria provided, single submitter. Criteria: EGL Classification Definitions 2015. Collection method: clinical testing. Allele origin: germline. Observed: 1 variant allele, 1 heterozygote.

Laboratory for Molecular Medicine, Mass General Brigham Personalized Medicine
Classification: Uncertain significance. Last evaluated: 2015-02-23. Review status: criteria provided, single submitter. Criteria: LMM Criteria. Collection method: clinical testing. Allele origin: germline. Observed: 2 variant alleles.
Comment: proposed classification - variant undergoing re-assessment, contact laboratory

Counsyl
Classification: Uncertain significance for Usher syndrome type 2A; Retinitis pigmentosa 39. Last evaluated: 2017-08-15. Review status: no assertion criteria provided. Collection method: clinical testing. Allele origin: unknown. Not counted in ClinVar's aggregate classification.

NM_206933.4(USH2A):c.7039G>A (p.Val2347Met)

Gene: USH2A (usherin; minus strand). Cytogenetic location: 1q41.
Variant type: single nucleotide variant.
Coding change: c.7039G>A on transcript NM_206933.4 (MANE Select); coding-DNA position 7039, G replaced by A.
Protein change: p.Val2347Met; replaces valine 2347 with methionine.
Molecular consequence: missense variant.
Genome position (GRCh38, 1-based): chr1:215,965,398, C>T on the plus strand (G>A on the coding strand, the complement: USH2A is on the minus strand). VCF-style: chr1-215965398-C-T. GRCh37 (hg19) VCF-style: chr1-216138740-C-T.
Other names: short protein forms V2347M.
Identifiers: ClinVar variation 166475 (VCV000166475.14), dbSNP rs727503721, ClinGen allele CA179536.
Genomic context (GRCh38, chr1:215,965,398, plus strand): 5'-CAGTGAAAAGGACTGAGTGTGTTAAGAGTCCATTAGGGCGAAAAGGTGCTTCCCACCTCA[C>T]GTGGGCTTTCCGGGATCCCTGTGTTTTGACAAACACATTTACTGTTCCTTCAGGAGGAGC-3'
Protein context (NP_996816.3, residues 2337-2357): VKTQGSRKAH[Val2347Met]RWEAPFRPNG